The following is an entry in ClinVar:

NM_138694.4(PKHD1):c.402G>T (p.Ala134=)

Gene: PKHD1 (PKHD1 ciliary IPT domain containing fibrocystin/polyductin; minus strand). Cytogenetic location: 6p12.2.
Variant type: single nucleotide variant.
Coding change: c.402G>T on transcript NM_138694.4 (MANE Select); coding-DNA position 402, G replaced by T.
Protein change: p.Ala134=; no amino-acid change (alanine 134 retained).
Molecular consequence: synonymous variant.
Genome position (GRCh38, 1-based): chr6:52,076,322, C>A on the plus strand (G>T on the coding strand, the complement: PKHD1 is on the minus strand). VCF-style: chr6-52076322-C-A. GRCh37 (hg19) VCF-style: chr6-51941120-C-A.
Other names: c.402G>T, p.Ala134= (NM_170724.3); c.402G>T (NM_138694.3).
Identifiers: ClinVar variation 1566288 (VCV001566288.9), dbSNP rs200992930, ClinGen allele CA450421699.

ClinVar aggregate classification (germline): Likely benign. Review status: criteria provided, multiple submitters, no conflicts (2 of 4 stars). 2 submissions from 2 submitters: Likely benign (2). Last evaluated 2025-05-29.

Conditions:
PKHD1-related disorder. Also called: PKHD1-related condition.
Autosomal recessive polycystic kidney disease (ARPKD). Also called: AR polycystic kidney disease. Identifiers: Orphanet 731, Orphanet 8378, MedGen C0085548, MeSH D017044, MONDO:0009889.

gnomAD v4.1: 8 of 1,611,900 alleles (0.0005%); highest among the groups gnomAD compares: Non-Finnish European, 0.00068%; no homozygotes.

Submissions (2):

PreventionGenetics, part of Exact Sciences
Classification: Likely benign for PKHD1-related condition. Last evaluated: 2025-05-29. Review status: criteria provided, single submitter. Criteria: ACMG Guidelines, 2015. Collection method: clinical testing. Allele origin: germline.
Comment: This variant is classified as likely benign based on ACMG/AMP sequence variant interpretation guidelines (Richards et al. 2015 PMID: 25741868, with internal and published modifications).

Labcorp Genetics (formerly Invitae), Labcorp
Classification: Likely benign for Autosomal recessive polycystic kidney disease. Last evaluated: 2023-11-18. Review status: criteria provided, single submitter. Criteria: Invitae Variant Classification Sherloc (09022015). Collection method: clinical testing. Allele origin: germline.